The following is an entry in ClinVar:

NM_000179.3(MSH6):c.2941A>T (p.Ile981Phe)

Gene: MSH6 (mutS homolog 6; plus strand). Cytogenetic location: 2p16.3.
Variant type: single nucleotide variant.
Coding change: c.2941A>T on transcript NM_000179.3 (MANE Select); coding-DNA position 2941, A replaced by T.
Protein change: p.Ile981Phe; replaces isoleucine 981 with phenylalanine.
Molecular consequence: missense variant.
Genome position (GRCh38, 1-based): chr2:47,800,924, A>T. VCF-style: chr2-47800924-A-T. GRCh37 (hg19) VCF-style: chr2-48028063-A-T.
Other names: c.2551A>T, p.Ile851Phe (NM_001281492.2); c.2035A>T, p.Ile679Phe (NM_001281493.2, NM_001281494.2, NM_001406811.1 and 6 more transcripts); c.3037A>T, p.Ile1013Phe (NM_001406795.1, NM_001406802.1); c.2941A>T, p.Ile981Phe (NM_001406796.1, NM_001406798.1, NM_001406800.1 and 2 more transcripts); c.2644A>T, p.Ile882Phe (NM_001406797.1, NM_001406801.1, NM_001406805.1 and 10 more transcripts); c.2416A>T, p.Ile806Phe (NM_001406799.1, NM_001406806.1, NM_001406807.1); c.2863A>T, p.Ile955Phe (NM_001406804.1); c.2947A>T, p.Ile983Phe (NM_001406813.1); and 2 more; short protein forms I1013F, I296F, I679F, I981F, I882F, I983F, I806F, I955F.
Identifiers: ClinVar variation 1797922 (VCV001797922.2), dbSNP rs730881799, ClinGen allele CA346756223.
Genomic context (GRCh38, chr2:47,800,924, plus strand): 5'-AGAATTGGCTGTAGGACCATAGTCTATTGGGGGATTGGTAGGAACCGTTACCAGCTGGAA[A>T]TTCCTGAGAATTTCACCACTCGCAATTTGCCAGAAGAATACGAGTTGAAATCTACCAAGA-3'
Protein context (NP_000170.1, residues 971-991): GIGRNRYQLE[Ile981Phe]PENFTTRNLP

ClinVar aggregate classification (germline): Uncertain significance (1 of 4 stars; one submission).

Conditions:
Hereditary cancer-predisposing syndrome. Also called: Neoplastic Syndromes, Hereditary; Tumor predisposition; Hereditary Cancer Syndrome; Hereditary neoplastic syndrome. Identifiers: Orphanet 140162, MedGen C0027672, MeSH D009386, MONDO:0015356.

Submission:

Ambry Genetics
Classification: Uncertain significance for Hereditary cancer-predisposing syndrome. Last evaluated: 2022-08-02. Review status: criteria provided, single submitter. Criteria: Ambry Variant Classification Scheme 2023. Collection method: clinical testing. Allele origin: germline.
Comment: The p.I981F variant (also known as c.2941A>T), located in coding exon 4 of the MSH6 gene, results from an A to T substitution at nucleotide position 2941. The isoleucine at codon 981 is replaced by phenylalanine, an amino acid with highly similar properties. This amino acid position is well conserved in available vertebrate species. In addition, the in silico prediction for this alteration is inconclusive. Since supporting evidence is limited at this time, the clinical significance of this alteration remains unclear.